The following is an entry in ClinVar:

ClinVar aggregate classification (germline): Pathogenic (1 of 4 stars; one submission).

Conditions:
GNPTAB-mucolipidosis. Also called: UDP-N-acetylglucosamine-1-phosphotransferase subunit alpha/beta deficiency. Identifiers: MedGen CN322573, MONDO:0100122.

Submission:

Myriad Genetics, Inc.
Classification: Pathogenic for GNPTAB-mucolipidosis. Last evaluated: 2025-01-18. Review status: criteria provided, single submitter. Criteria: Myriad Autosomal Dominant, Autosomal Recessive and X-Linked Classification Criteria (2023). Collection method: clinical testing. Allele origin: unknown.
Comment: NM_024312.4(GNPTAB):c.512delC(A171Efs*42) is expected to be pathogenic in the context of GNPTAB-related disorders. This variant is predicted to lead to an abnormal or absent protein product due to the creation of a premature termination codon in GNPTAB, a gene where loss-of-function variants are known to be pathogenic. Please note: this variant was assessed in the context of healthy population screening.

NM_024312.5(GNPTAB):c.512del (p.Ala171fs)

Gene: GNPTAB (N-acetylglucosamine-1-phosphate transferase subunits alpha and beta; minus strand). Cytogenetic location: 12q23.2.
Variant type: Deletion.
Coding change: c.512del on transcript NM_024312.5 (MANE Select); coding-DNA position 512, one base deleted (C; older notation c.512delC).
Protein change: p.Ala171fs; shifts the reading frame from alanine 171.
Molecular consequence: frameshift variant.
Genome position (GRCh38, 1-based): chr12:101,786,071, G deleted on the plus strand (C on the coding strand, the reverse complement: GNPTAB is on the minus strand). VCF-style (leftmost placement, unchanged base first): chr12-101786070-TG-T. GRCh37 (hg19) VCF-style: chr12-102179848-TG-T.
Other names: short protein forms A171fs.
Identifiers: ClinVar variation 5013980 (VCV005013980.1).